The following is an entry in ClinVar:

ClinVar aggregate classification (germline): Conflicting classifications of pathogenicity. Review status: criteria provided, conflicting classifications (1 of 4 stars). 2 submissions from 2 submitters: Uncertain significance (1); Likely benign (1). Last evaluated 2024-11-10.

Allele frequency attached by ClinVar (database versions not stated): gnomAD 0.00015; ExAC 0.00016; TOPMed 0.00020; ESP Exome Variant Server 0.00034.
gnomAD v4.1: 297 of 1,581,040 alleles (0.019%); highest among the groups gnomAD compares: Non-Finnish European, 0.024%; no homozygotes.

Submissions (2):

Ambry Genetics
Classification: Uncertain significance. Last evaluated: 2024-11-10. Review status: criteria provided, single submitter. Criteria: Ambry Variant Classification Scheme 2023. Collection method: clinical testing. Allele origin: germline.

CeGaT Center for Human Genetics Tuebingen
Classification: Likely benign. Last evaluated: 2022-06-01. Review status: criteria provided, single submitter. Criteria: CeGaT Center For Human Genetics Tuebingen Variant Classification Criteria Version 2. Collection method: clinical testing. Allele origin: germline. Affected: yes. Observed: 1 variant allele.
Comment: DNAH7: BP4

NM_018897.3(DNAH7):c.739G>T (p.Ala247Ser)

Gene: DNAH7 (dynein axonemal heavy chain 7; minus strand). Cytogenetic location: 2q32.3.
Variant type: single nucleotide variant.
Coding change: c.739G>T on transcript NM_018897.3 (MANE Select); coding-DNA position 739, G replaced by T.
Protein change: p.Ala247Ser; replaces alanine 247 with serine.
Molecular consequence: missense variant.
Genome position (GRCh38, 1-based): chr2:196,024,433, C>A on the plus strand (G>T on the coding strand, the complement: DNAH7 is on the minus strand). VCF-style: chr2-196024433-C-A. GRCh37 (hg19) VCF-style: chr2-196889157-C-A.
Other names: short protein forms A247S.
Identifiers: ClinVar variation 2379593 (VCV002379593.27), dbSNP rs202245796, ClinGen allele CA2036881.